The following is an entry in ClinVar:

ClinVar aggregate classification (germline): Uncertain significance (1 of 4 stars; one submission).

Conditions:
Familial cancer of breast. Also called: hereditary breast carcinoma; BREAST CANCER, FAMILIAL; Hereditary breast cancer. Identifiers: Orphanet 227535, MedGen C0346153, MONDO:0016419, OMIM 114480. Disease mechanism: loss of function.

Submission:

Labcorp Genetics (formerly Invitae), Labcorp
Classification: Uncertain significance for Familial cancer of breast. Last evaluated: 2026-01-20. Review status: criteria provided, single submitter. Criteria: Invitae Variant Classification Sherloc (09022015). Collection method: clinical testing. Allele origin: germline.
Comment: This sequence change replaces glycine, which is neutral and non-polar, with valine, which is neutral and non-polar, at codon 414 of the CHEK2 protein (p.Gly414Val). This variant is not present in population databases (gnomAD no frequency). This variant has not been reported in the literature in individuals affected with CHEK2-related conditions. ClinVar contains an entry for this variant (Variation ID: 2027009). An algorithm developed to predict the effect of missense changes on protein structure and function (PolyPhen-2) suggests that this variant is likely to be disruptive. Algorithms developed to predict the effect of sequence changes on RNA splicing suggest that this variant may disrupt the consensus splice site. In summary, the available evidence is currently insufficient to determine the role of this variant in disease. Therefore, it has been classified as a Variant of Uncertain Significance.

NM_007194.4(CHEK2):c.1241G>T (p.Gly414Val)

Gene: CHEK2 (checkpoint kinase 2; minus strand). Cytogenetic location: 22q12.1.
Variant type: single nucleotide variant.
Coding change: c.1241G>T on transcript NM_007194.4 (MANE Select); coding-DNA position 1241, G replaced by T.
Protein change: p.Gly414Val; replaces glycine 414 with valine.
Molecular consequence: missense variant.
Genome position (GRCh38, 1-based): chr22:28,695,728, C>A on the plus strand (G>T on the coding strand, the complement: CHEK2 is on the minus strand). VCF-style: chr22-28695728-C-A. GRCh37 (hg19) VCF-style: chr22-29091716-C-A.
Other names: c.1370G>T, p.Gly457Val (NM_001005735.3); c.578G>T, p.Gly193Val (NM_001257387.3); c.1040G>T, p.Gly347Val (NM_001349956.3); c.1154G>T, p.Gly385Val (NM_145862.3); short protein forms G457V, G414V, G193V, G347V, G385V.
Identifiers: ClinVar variation 2027009 (VCV002027009.4), dbSNP rs1601721915, ClinGen allele CA411096589.